The following is an entry in ClinVar:

NM_001077350.3(NPRL3):c.251T>G (p.Phe84Cys)

Genes: HBA-LCR (alpha-globin locus control region; plus strand), NPRL3 (NPR3 like, GATOR1 complex subunit; minus strand). Cytogenetic location: 16p13.3.
Variant type: single nucleotide variant.
Coding change: c.251T>G on transcript NM_001077350.3 (MANE Select); coding-DNA position 251, T replaced by G.
Protein change: p.Phe84Cys; replaces phenylalanine 84 with cysteine.
Molecular consequence: missense variant. On other transcripts: intron variant (1).
Genome position (GRCh38, 1-based): chr16:119,193, A>C on the plus strand (T>G on the coding strand, the complement: NPRL3 is on the minus strand). VCF-style: chr16-119193-A-C. GRCh37 (hg19) VCF-style: chr16-169192-A-C.
Other names: c.17T>G, p.Phe6Cys (NM_001243247.2); c.251T>G, p.Phe84Cys (NM_001243248.2, NM_001243249.2); c.-144-6418T>G (NM_001039476.3); short protein forms F6C, F84C.
Identifiers: ClinVar variation 657701 (VCV000657701.11), dbSNP rs560167568, ClinGen allele CA7769722.

ClinVar aggregate classification (germline): Uncertain significance. Review status: criteria provided, multiple submitters, no conflicts (2 of 4 stars). 5 submissions from 5 submitters: Uncertain significance (5). Last evaluated 2025-10-02.

Conditions:
Epilepsy, familial focal, with variable foci 3 (FFEVF3). Identifiers: MedGen C4310708, MONDO:0014925, OMIM 617118.
Inborn genetic diseases. Identifiers: MedGen C0950123, MeSH D030342.

Allele frequency attached by ClinVar (database versions not stated): gnomAD exomes below 0.00001 and 0.00002; ExAC 0.00005; gnomAD 0.00012 and 0.00014; TOPMed 0.00024; 1000 Genomes Project 0.00040; 1000 Genomes Project 30x 0.00047.
gnomAD v4.1: 31 of 1,612,772 alleles (0.0019%); highest among the groups gnomAD compares: Admixed American, 0.02%; no homozygotes.

Submissions (5):

Labcorp Genetics (formerly Invitae), Labcorp
Classification: Uncertain significance for Epilepsy, familial focal, with variable foci 3. Last evaluated: 2025-10-02. Review status: criteria provided, single submitter. Criteria: Invitae Variant Classification Sherloc (09022015). Collection method: clinical testing. Allele origin: germline.
Comment: This sequence change replaces phenylalanine, which is neutral and non-polar, with cysteine, which is neutral and slightly polar, at codon 84 of the NPRL3 protein (p.Phe84Cys). This variant is present in population databases (rs560167568, gnomAD 0.03%). This variant has not been reported in the literature in individuals affected with NPRL3-related conditions. ClinVar contains an entry for this variant (Variation ID: 657701). Invitae Evidence Modeling of protein sequence and biophysical properties (such as structural, functional, and spatial information, amino acid conservation, physicochemical variation, residue mobility, and thermodynamic stability) indicates that this missense variant is expected to disrupt NPRL3 protein function with a positive predictive value of 80%. In summary, the available evidence is currently insufficient to determine the role of this variant in disease. Therefore, it has been classified as a Variant of Uncertain Significance.

Women's Health and Genetics/Laboratory Corporation of America, LabCorp
Classification: Uncertain significance. Last evaluated: 2025-06-26. Review status: criteria provided, single submitter. Criteria: LabCorp Variant Classification Summary - May 2015. Collection method: clinical testing. Allele origin: germline.
Comment: Variant summary: NPRL3 c.251T>G (p.Phe84Cys) results in a non-conservative amino acid change in the encoded protein sequence. Algorithms developed to predict the effect of missense changes on protein structure and function are either unavailable or do not agree on the potential impact of this missense change. The variant allele was found at a frequency of 2e-05 in 246226 control chromosomes. The available data on variant occurrences in the general population are insufficient to allow any conclusion about variant significance. To our knowledge, no occurrence of c.251T>G in individuals affected with Epilepsy, Familial Focal, With Variable Foci 1 and no experimental evidence demonstrating its impact on protein function have been reported. ClinVar contains an entry for this variant (Variation ID: 657701). Based on the evidence outlined above, the variant was classified as uncertain significance.

Ambry Genetics
Classification: Uncertain significance for Inborn genetic diseases. Last evaluated: 2024-11-26. Review status: criteria provided, single submitter. Criteria: Ambry Variant Classification Scheme 2023. Collection method: clinical testing. Allele origin: germline.

GeneDx
Classification: Uncertain significance. Last evaluated: 2024-02-14. Review status: criteria provided, single submitter. Criteria: GeneDx Variant Classification Process June 2021. Collection method: clinical testing. Allele origin: germline. Affected: yes.
Comment: In silico analysis supports that this missense variant has a deleterious effect on protein structure/function; Has not been previously reported as a pathogenic or benign germline variant to our knowledge; This variant is associated with the following publications: (PMID: 36922933)

New York Genome Center
Classification: Uncertain significance for Epilepsy, familial focal, with variable foci 3. Last evaluated: 2020-05-27. Review status: criteria provided, single submitter. Criteria: NYGC Assertion Criteria 2020. Collection method: clinical testing. Allele origin: inherited. Observed: 1 heterozygote. Study: CSER-NYCKidSeq.
Comment: The inherited heterozygous p.Phe84Cys missense variant identified in NPRL3 has not been reported in affected individuals in the literature. It is described as a variant of uncertain significance in the ClinVar database (Variation ID: 657701). The variant has 0.0001325 allele frequency inthe gnomAD (V3) database (19 out of 143,348 heterozygous alleles, no homozygotes) indicating that itisa rare allele in the general population. The variant affects an evolutionarily conserved residue and is predicted deleterious by multiple in silico prediction tools (CADD score =28.2, REVEL score = 0.638). Functional studies are needed to evaluate the pathogenic potential of this variant. Based on the available evidence, the p.Phe84Cys variant in the NPRL3 gene is assessed as a variant of uncertain significance.